The following is an entry in ClinVar:

ClinVar aggregate classification (germline): Pathogenic (1 of 4 stars; one submission).

Conditions:
Mucopolysaccharidosis, MPS-IV-A (MPS4A). Also called: Morquio syndrome A, mild; MORQUIO SYNDROME A; GALACTOSAMINE-6-SULFATASE DEFICIENCY; GALNS DEFICIENCY; MORQUIO A DISEASE; Mucopolysaccharidosis type IV A. Identifiers: Orphanet 309297, Orphanet 582, MedGen C0086651, MONDO:0009659, OMIM 253000.

Submission:

Labcorp Genetics (formerly Invitae), Labcorp
Classification: Pathogenic for Mucopolysaccharidosis, MPS-IV-A. Last evaluated: 2025-01-02. Review status: criteria provided, single submitter. Criteria: Invitae Variant Classification Sherloc (09022015). Collection method: clinical testing. Allele origin: germline.
Comment: This sequence change affects the initiator methionine of the GALNS mRNA. The next in-frame methionine is located at codon 38. This variant is not present in population databases (gnomAD no frequency). This variant has not been reported in the literature in individuals affected with GALNS-related conditions. This variant disrupts a region of the GALNS protein in which other variant(s) (p.Leu36Arg) have been determined to be pathogenic (PMID: 24726177, 25252036). This suggests that this is a clinically significant region of the protein, and that variants that disrupt it are likely to be disease-causing. For these reasons, this variant has been classified as Pathogenic.

Literature cited by the submitters: PubMed 24726177; PubMed 25252036.

NC_000016.10:g.88856801_88856960del

Genes: GALNS (galactosamine (N-acetyl)-6-sulfatase; minus strand), TRAPPC2L (trafficking protein particle complex subunit 2L; plus strand), LOC130059762 (ATAC-STARR-seq lymphoblastoid silent region 7883; plus strand). Cytogenetic location: 16q24.3.
Variant type: Deletion.
Genome position: GRCh38: chr16:88,856,801-88,856,960. GRCh37 (hg19): chr16:88,923,209-88,923,368.
Identifiers: ClinVar variation 2831370 (VCV002831370.3), dbSNP rs2543660049, ClinGen allele CA2739266961.